The following is an entry in ClinVar:

ClinVar aggregate classification (germline): Likely benign. Review status: criteria provided, multiple submitters, no conflicts (2 of 4 stars). 2 submissions from 2 submitters: Likely benign (2). Last evaluated 2025-10-29.

Conditions:
Amyotrophic lateral sclerosis type 1 (ALS1). Also called: AMYOTROPHIC LATERAL SCLEROSIS 1, FAMILIAL. Identifiers: Orphanet 803, MedGen C1862939, MONDO:0007103, OMIM 105400.
Neuronopathy, distal hereditary motor, type 7B. Also called: Distal Hereditary Motor Neuronopathy Type 7B (dHMN7B); HMN VIIB; LOWER MOTOR NEURON DISEASE, DYNACTIN TYPE; NEURONOPATHY, DISTAL HEREDITARY MOTOR, AUTOSOMAL DOMINANT 14; NEURONOPATHY, DISTAL HEREDITARY MOTOR, HARDING TYPE VIIB; NEUROPATHY, DISTAL HEREDITARY MOTOR, HARDING TYPE VIIB. Identifiers: Orphanet 139589, MedGen C1843315, MONDO:0011879, OMIM 607641.
Perry syndrome. Also called: PARKINSONISM WITH ALVEOLAR HYPOVENTILATION AND MENTAL DEPRESSION. Identifiers: Orphanet 178509, MedGen C1868594, MONDO:0008201, OMIM 168605.

Submissions (2):

Labcorp Genetics (formerly Invitae), Labcorp
Classification: Likely benign for Amyotrophic lateral sclerosis type 1; Neuronopathy, distal hereditary motor, type 7B; Perry syndrome. Last evaluated: 2025-10-29. Review status: criteria provided, single submitter. Criteria: Invitae Variant Classification Sherloc (09022015). Collection method: clinical testing. Allele origin: germline.

Women's Health and Genetics/Laboratory Corporation of America, LabCorp
Classification: Likely benign. Last evaluated: 2023-09-18. Review status: criteria provided, single submitter. Criteria: LabCorp Variant Classification Summary - May 2015. Collection method: clinical testing. Allele origin: germline.
Comment: Variant summary: DCTN1 c.358+17_358+18insGA alters a nucleotide located at a position not widely known to affect splicing. Consensus agreement among computation tools predict no significant impact on normal splicing. However, these predictions have yet to be confirmed by functional studies. The variant was absent in 251482 control chromosomes. The available data on variant occurrences in the general population are insufficient to allow any conclusion about variant significance. To our knowledge, no occurrence of c.358+17_358+18insGA in individuals affected with DCTN1-Related Disorders and no experimental evidence demonstrating its impact on protein function have been reported. One submitter has cited clinical-significance assessments for this variant to ClinVar after 2014 and has classified the variant as benign/likely benign. Based on the evidence outlined above, the variant was classified as likely benign.

NM_004082.5(DCTN1):c.358+17_358+18insGA

Gene: DCTN1 (dynactin subunit 1; minus strand). Cytogenetic location: 2p13.1.
Variant type: Insertion.
Coding change: c.358+17_358+18insGA on transcript NM_004082.5 (MANE Select); bases 17 to 18 of the intron after coding-DNA position 358, GA inserted.
Molecular consequence: intron variant.
Genome position: GRCh38 VCF-style: chr2-74377630-T-TTC. GRCh37 (hg19) VCF-style: chr2-74604757-T-TTC.
Other names: c.358+17_358+18insGA (NM_004082.4, NM_001135040.3, NM_001190837.2); c.307+17_307+18insGA (NM_001190836.2, NM_001378992.1, NM_001378991.1).
Identifiers: ClinVar variation 1606414 (VCV001606414.9), dbSNP rs2103719288, ClinGen allele CA2573135837.